The following is an entry in ClinVar:

NM_001382391.1(CSPP1):c.-108C>T

Gene: CSPP1 (centrosome and spindle pole associated protein 1; plus strand). Cytogenetic location: 8q13.1.
Variant type: single nucleotide variant.
Coding change: c.-108C>T on transcript NM_001382391.1 (MANE Select); 108 bases upstream of the start codon, C replaced by T.
Molecular consequence: 5 prime UTR variant. On other transcripts: missense variant (3).
Genome position (GRCh38, 1-based): chr8:67,064,441, C>T. VCF-style: chr8-67064441-C-T. GRCh37 (hg19) VCF-style: chr8-67976676-C-T.
Other names: c.-108C>T (NM_001363131.2, NM_001363132.2, NM_001363133.2); c.43C>T, p.Arg15Cys (NM_001364869.1, NM_001364870.1, NM_024790.7); short protein forms R15C.
Identifiers: ClinVar variation 1437702 (VCV001437702.8), dbSNP rs2129538420, ClinGen allele CA371208523.

ClinVar aggregate classification (germline): Uncertain significance (1 of 4 stars; one submission).

Conditions:
Joubert syndrome 21 (JBTS21). Identifiers: MedGen C3810212, MONDO:0014288, OMIM 615636.

Allele frequency attached by ClinVar (database versions not stated): gnomAD exomes below 0.00001.
gnomAD v4.1: 2 of 1,613,954 alleles (0.00012%); highest among the groups gnomAD compares: South Asian, 0.0011%; no homozygotes.

Submission:

Labcorp Genetics (formerly Invitae), Labcorp
Classification: Uncertain significance for Joubert syndrome 21. Last evaluated: 2021-07-12. Review status: criteria provided, single submitter. Criteria: Invitae Variant Classification Sherloc (09022015). Collection method: clinical testing. Allele origin: germline.
Comment: This sequence change replaces arginine with cysteine at codon 15 of the CSPP1 protein (p.Arg15Cys). The arginine residue is weakly conserved and there is a large physicochemical difference between arginine and cysteine. This variant is not present in population databases (ExAC no frequency). This variant has not been reported in the literature in individuals affected with CSPP1-related conditions. Algorithms developed to predict the effect of missense changes on protein structure and function output the following: SIFT: "Deleterious"; PolyPhen-2: "Benign"; Align-GVGD: "Class C0". The cysteine amino acid residue is found in multiple mammalian species, which suggests that this missense change does not adversely affect protein function. In summary, the available evidence is currently insufficient to determine the role of this variant in disease. Therefore, it has been classified as a Variant of Uncertain Significance.